The following is an entry in ClinVar:

ClinVar aggregate classification (germline): Uncertain significance (1 of 4 stars; one submission).

Conditions:
Cardiovascular phenotype. Identifiers: MedGen CN230736.

gnomAD v4.1: 4 of 1,614,080 alleles (0.00025%); highest among the groups gnomAD compares: Non-Finnish European, 0.00034%; no homozygotes.

Submission:

Ambry Genetics
Classification: Uncertain significance for Cardiovascular phenotype. Last evaluated: 2025-10-07. Review status: criteria provided, single submitter. Criteria: Ambry Variant Classification Scheme 2023. Collection method: clinical testing. Allele origin: germline.
Comment: The p.Y648* variant (also known as c.1944C>A), located in coding exon 12 of the PCSK9 gene, results from a C to A substitution at nucleotide position 1944. This alteration is expected to result in protein truncation or nonsense-mediated mRNA decay. However, loss of function has not been established as a mechanism of disease. Based on the available evidence, the clinical significance of this alteration remains unclear.

NM_174936.4(PCSK9):c.1944C>A (p.Tyr648Ter)

Gene: PCSK9 (proprotein convertase subtilisin/kexin type 9; plus strand). Cytogenetic location: 1p32.3.
Variant type: single nucleotide variant.
Coding change: c.1944C>A on transcript NM_174936.4 (MANE Select); coding-DNA position 1944, C replaced by A.
Protein change: p.Tyr648Ter; replaces tyrosine 648 with a stop codon.
Molecular consequence: nonsense. On other transcripts: non-coding transcript variant (8).
Genome position (GRCh38, 1-based): chr1:55,063,449, C>A. VCF-style: chr1-55063449-C-A. GRCh37 (hg19) VCF-style: chr1-55529122-C-A.
Other names: c.2067C>A, p.Tyr689Ter (NM_001407240.1); c.1986C>A, p.Tyr662Ter (NM_001407241.1); c.1947C>A, p.Tyr649Ter (NM_001407242.1); c.1887C>A, p.Tyr629Ter (NM_001407243.1); c.1770C>A, p.Tyr590Ter (NM_001407244.1); c.1752C>A, p.Tyr584Ter (NM_001407245.1); c.1569C>A, p.Tyr523Ter (NM_001407246.1); c.1443C>A, p.Tyr481Ter (NM_001407247.1); short protein forms Y629*, Y662*, Y481*, Y689*, Y584*, Y649*, Y523*, Y590*.
Identifiers: ClinVar variation 4614713 (VCV004614713.1).
Genomic context (GRCh38, chr1:55,063,449, plus strand): 5'-GGGCTGGACCCTGACTGGCTGCAGTGCCCTCCCTGGGACCTCCCACGTCCTGGGGGCCTA[C>A]GCCGTAGACAACACGTGTGTAGTCAGGAGCCGGGACGTCAGCACTACAGGCAGCACCAGC-3'